The following is an entry in ClinVar:

ClinVar aggregate classification (germline): Uncertain significance (1 of 4 stars; one submission).

Conditions:
Dilated cardiomyopathy 1G (CMD1G). Identifiers: Orphanet 154, MedGen C1858763, MONDO:0011400, OMIM 604145.
Autosomal recessive limb-girdle muscular dystrophy type 2J (LGMDR10). Also called: Limb-girdle muscular dystrophy, type 2J; MUSCULAR DYSTROPHY, LIMB-GIRDLE, AUTOSOMAL RECESSIVE 10. Identifiers: Orphanet 140922, MedGen C1837342, MONDO:0012127, OMIM 608807.

Allele frequency attached by ClinVar (database versions not stated): gnomAD exomes below 0.00001; gnomAD 0.00003; TOPMed 0.00004.

Submission:

Labcorp Genetics (formerly Invitae), Labcorp
Classification: Uncertain significance for Dilated cardiomyopathy 1G; Autosomal recessive limb-girdle muscular dystrophy type 2J. Last evaluated: 2025-07-29. Review status: criteria provided, single submitter. Criteria: Invitae Variant Classification Sherloc (09022015). Collection method: clinical testing. Allele origin: germline.
Comment: This sequence change replaces aspartic acid, which is acidic and polar, with histidine, which is basic and polar, at codon 34576 of the TTN protein (p.Asp34576His). This variant is not present in population databases (gnomAD no frequency). This variant has not been reported in the literature in individuals affected with TTN-related conditions. ClinVar contains an entry for this variant (Variation ID: 2948191). Experimental studies and prediction algorithms are not available or were not evaluated, and the functional significance of this variant is currently unknown. This variant is located in the M band of TTN (PMID: 25589632). Non-truncating variants in this region may be relevant for neuromuscular disorders, but have not been definitively shown to cause cardiomyopathy (PMID: 23975875). In summary, the available evidence is currently insufficient to determine the role of this variant in disease. Therefore, it has been classified as a Variant of Uncertain Significance.

Literature cited by the submitters: PubMed 25589632; PubMed 23975875.

NM_001267550.2(TTN):c.103726G>C (p.Asp34576His)

Genes: TTN (titin; minus strand), TTN-AS1 (TTN antisense RNA 1; plus strand). Cytogenetic location: 2q31.2.
Variant type: single nucleotide variant.
Coding change: c.103726G>C on transcript NM_001267550.2 (MANE Select); coding-DNA position 103726, G replaced by C.
Protein change: p.Asp34576His; replaces aspartic acid 34576 with histidine.
Molecular consequence: missense variant.
Genome position (GRCh38, 1-based): chr2:178,532,889, C>G on the plus strand (G>C on the coding strand, the complement: TTN is on the minus strand). VCF-style: chr2-178532889-C-G. GRCh37 (hg19) VCF-style: chr2-179397616-C-G.
Other names: c.98803G>C, p.Asp32935His (NM_001256850.1); c.76531G>C, p.Asp25511His (NM_003319.4); c.96022G>C, p.Asp32008His (NM_133378.4); c.76906G>C, p.Asp25636His (NM_133432.3); c.77107G>C, p.Asp25703His (NM_133437.4); short protein forms D25511H, D25703H, D25636H, D32008H, D32935H, D34576H.
Identifiers: ClinVar variation 2948191 (VCV002948191.3), dbSNP rs977095688, ClinGen allele CA60956900.
Genomic context (GRCh38, chr2:178,532,889, plus strand): 5'-GGATGCGCTTGGGTCGTTTCTGTACAACTCTGTCAAGTTTCCCAGGCATTTCATACTGAT[C>G]ACGTATCTTTTTATACCACTTCATGTCAGACATGGGCACGAACTGCTTGATGCGTTGGTC-3'
Protein context (NP_001254479.2, residues 34566-34586): SDMKWYKKIR[Asp34576His]QYEMPGKLDR